The following is an entry in ClinVar:

ClinVar aggregate classification (germline): Uncertain significance (1 of 4 stars; one submission).

Conditions:
Developmental and epileptic encephalopathy, 42 (DEE42A). Also called: DEVELOPMENTAL AND EPILEPTIC ENCEPHALOPATHY 42A; EPILEPTIC ENCEPHALOPATHY, EARLY INFANTILE, 42A; Epileptic encephalopathy, early infantile, 42. Identifiers: MedGen C4310716, MONDO:0014917, OMIM 617106.
Episodic ataxia type 2 (EA2). Also called: ACETAZOLAMIDE-RESPONSIVE HEREDITARY PAROXYSMAL CEREBELLAR ATAXIA; EPISODIC ATAXIA, NYSTAGMUS-ASSOCIATED; ATAXIA, EPISODIC, WITH NYSTAGMUS; ATAXIA, FAMILIAL PAROXYSMAL; CEREBELLAR ATAXIA, PAROXYSMAL, ACETAZOLAMIDE-RESPONSIVE; CEREBELLOPATHY, HEREDITARY PAROXYSMAL. Identifiers: Orphanet 97, MedGen C1720416, MONDO:0007163, OMIM 108500.

Submission:

Labcorp Genetics (formerly Invitae), Labcorp
Classification: Uncertain significance for Developmental and epileptic encephalopathy, 42; Episodic ataxia type 2. Last evaluated: 2020-06-30. Review status: criteria provided, single submitter. Criteria: Invitae Variant Classification Sherloc (09022015). Collection method: clinical testing. Allele origin: germline.
Comment: In summary, the available evidence is currently insufficient to determine the role of this variant in disease. Therefore, it has been classified as a Variant of Uncertain Significance. Nucleotide substitutions within the consensus splice site are a relatively common cause of aberrant splicing (PMID: 17576681, 9536098). Algorithms developed to predict the effect of sequence changes on RNA splicing suggest that this variant may disrupt the consensus splice site, but this prediction has not been confirmed by published transcriptional studies. Algorithms developed to predict the effect of missense changes on protein structure and function are either unavailable or do not agree on the potential impact of this missense change (SIFT: "Deleterious"; PolyPhen-2: "Probably Damaging"; Align-GVGD: "Class C0"). This variant has not been reported in the literature in individuals with CACNA1A-related conditions. This variant is not present in population databases (ExAC no frequency). This sequence change replaces glycine with arginine at codon 450 of the CACNA1A protein (p.Gly450Arg). The glycine residue is highly conserved and there is a moderate physicochemical difference between glycine and arginine. This variant also falls at the last nucleotide of exon 10 of the CACNA1A coding sequence, which is part of the consensus splice site for this exon.

Literature cited by the submitters: PubMed 17576681; PubMed 9536098.

NM_001127222.2(CACNA1A):c.1345G>C (p.Gly449Arg)

Gene: CACNA1A (calcium voltage-gated channel subunit alpha1 A; minus strand). Cytogenetic location: 19p13.13.
Variant type: single nucleotide variant.
Coding change: c.1345G>C on transcript NM_001127222.2 (MANE Select); coding-DNA position 1345, G replaced by C.
Protein change: p.Gly449Arg; replaces glycine 449 with arginine.
Molecular consequence: missense variant.
Genome position (GRCh38, 1-based): chr19:13,330,244, C>G on the plus strand (G>C on the coding strand, the complement: CACNA1A is on the minus strand). VCF-style: chr19-13330244-C-G. GRCh37 (hg19) VCF-style: chr19-13441058-C-G.
Other names: c.1348G>C, p.Gly450Arg (NM_000068.4, NM_001127221.2, NM_001174080.2 and 1 more transcripts); short protein forms G449R, G450R.
Identifiers: ClinVar variation 1026900 (VCV001026900.9), dbSNP rs1194605924, ClinGen allele CA404346029.
Genomic context (GRCh38, chr19:13,330,244, plus strand): 5'-ACCATGTCTCTTGGGCGATAGGTGATGAACAACTGATAGGTGGCAGAGGAAGGGACTCAC[C>G]CACAGAGGCTATATCAGCCAGCTGATCCTCAGCCTCTTCGGGGTTGAGCAAATCTGTCTT-3'
Protein context (NP_001120694.1, residues 439-459): EDQLADIASV[Gly449Arg]SPFARASIKS